The following is an entry in ClinVar:

ClinVar aggregate classification (germline): Benign. Review status: criteria provided, single submitter (1 of 4 stars). 2 submissions from 2 submitters: Benign (1). 1 of the submissions does not count toward it. Last evaluated 2025-06-19.

Conditions:
NUP62-related disorder. Also called: NUP62-related condition.

Allele frequency attached by ClinVar (database versions not stated): gnomAD 0.00029 and 0.00006; gnomAD exomes 0.00046; ESP Exome Variant Server 0.00008; 1000 Genomes Project 0.00180; TOPMed 0.00007; 1000 Genomes Project 30x 0.00172.
gnomAD v4.1: 733 of 1,614,188 alleles (0.045%); highest among the groups gnomAD compares: South Asian, 0.72%; 11 homozygotes.

Submissions (2):

Labcorp Genetics (formerly Invitae), Labcorp
Classification: Benign. Last evaluated: 2025-06-19. Review status: criteria provided, single submitter. Criteria: Invitae Variant Classification Sherloc (09022015). Collection method: clinical testing. Allele origin: germline.

PreventionGenetics, part of Exact Sciences
Classification: Benign for NUP62-related condition. Last evaluated: 2019-05-10. Review status: no assertion criteria provided. Collection method: clinical testing. Allele origin: germline. Not counted in ClinVar's aggregate classification.
Comment: This variant is classified as benign based on ACMG/AMP sequence variant interpretation guidelines (Richards et al. 2015 PMID: 25741868, with internal and published modifications).

NM_016553.5(NUP62):c.1338C>T (p.Arg446=)

Genes: IL4I1 (interleukin 4 induced 1; minus strand), NUP62 (nucleoporin 62; minus strand). Cytogenetic location: 19q13.33.
Variant type: single nucleotide variant.
Coding change: c.1338C>T on transcript NM_016553.5 (MANE Select); coding-DNA position 1338, C replaced by T.
Protein change: p.Arg446=; no amino-acid change (arginine 446 retained).
Molecular consequence: synonymous variant. On other transcripts: intron variant (3).
Genome position (GRCh38, 1-based): chr19:49,908,470, G>A on the plus strand (C>T on the coding strand, the complement: NUP62 is on the minus strand). VCF-style: chr19-49908470-G-A. GRCh37 (hg19) VCF-style: chr19-50411727-G-A.
Other names: c.-227-4149C>T (NM_001258017.2, NM_172374.3); c.-285-4149C>T (NM_001258018.2); c.1338C>T, p.Arg446= (NM_001193357.2, NM_012346.5, NM_153718.4 and 1 more transcripts).
Identifiers: ClinVar variation 727035 (VCV000727035.12), dbSNP rs146748194, ClinGen allele CA9588908.